The following is an entry in ClinVar:

NM_001267550.2(TTN):c.53011G>T (p.Ala17671Ser)

Genes: TTN (titin; minus strand), TTN-AS1 (TTN antisense RNA 1; plus strand), LOC126806425 (BRD4-independent group 4 enhancer GRCh37_chr2:179471933-179473132; plus strand). Cytogenetic location: 2q31.2.
Variant type: single nucleotide variant.
Coding change: c.53011G>T on transcript NM_001267550.2 (MANE Select); coding-DNA position 53011, G replaced by T.
Protein change: p.Ala17671Ser; replaces alanine 17671 with serine.
Molecular consequence: missense variant.
Genome position (GRCh38, 1-based): chr2:178,607,677, C>A on the plus strand (G>T on the coding strand, the complement: TTN is on the minus strand). VCF-style: chr2-178607677-C-A. GRCh37 (hg19) VCF-style: chr2-179472404-C-A.
Other names: c.48088G>T, p.Ala16030Ser (NM_001256850.1); c.25816G>T, p.Ala8606Ser (NM_003319.4); c.45307G>T, p.Ala15103Ser (NM_133378.4); c.26191G>T, p.Ala8731Ser (NM_133432.3); c.26392G>T, p.Ala8798Ser (NM_133437.4); short protein forms A15103S, A16030S, A17671S, A8606S, A8731S, A8798S.
Identifiers: ClinVar variation 3344715 (VCV003344715.2).

ClinVar aggregate classification (germline): Uncertain significance. Review status: criteria provided, single submitter (1 of 4 stars). 2 submissions from 2 submitters: Uncertain significance (1). 1 of the submissions does not count toward it. Last evaluated 2025-05-21.

Conditions:
TTN-related disorder. Also called: TTN-related disorders; TTN-related condition; TTN-related disease.

Submissions (2):

Revvity Omics, Revvity
Classification: Uncertain significance. Last evaluated: 2025-05-21. Review status: criteria provided, single submitter. Criteria: ACMG Guidelines, 2015. Collection method: clinical testing. Allele origin: germline.

PreventionGenetics, part of Exact Sciences
Classification: Uncertain significance for TTN-related condition. Last evaluated: 2024-05-23. Review status: no assertion criteria provided. Collection method: clinical testing. Allele origin: germline. Not counted in ClinVar's aggregate classification.
Comment: The TTN c.53011G>T variant is predicted to result in the amino acid substitution p.Ala17671Ser. To our knowledge, this variant has not been reported in the literature or in a large population database, indicating this variant is rare. At this time, the clinical significance of this variant is uncertain due to the absence of conclusive functional and genetic evidence.